The following is an entry in ClinVar:

ClinVar aggregate classification (germline): Uncertain significance (1 of 4 stars; one submission).

gnomAD v4.1: 2 of 1,614,108 alleles (0.00012%); highest among the groups gnomAD compares: Non-Finnish European, 0.00017%; no homozygotes.

Submission:

GeneDx
Classification: Uncertain significance. Last evaluated: 2024-11-21. Review status: criteria provided, single submitter. Criteria: GeneDx Variant Classification Process June 2021. Collection method: clinical testing. Allele origin: germline.
Comment: Not observed at significant frequency in large population cohorts (gnomAD); In silico analysis supports that this missense variant has a deleterious effect on protein structure/function; Has not been previously published as pathogenic or benign to our knowledge

NM_001367943.1(TCF7L2):c.587A>G (p.His196Arg)

Gene: TCF7L2 (transcription factor 7 like 2; plus strand). Cytogenetic location: 10q25.3.
Variant type: single nucleotide variant.
Coding change: c.587A>G on transcript NM_001367943.1 (MANE Select); coding-DNA position 587, A replaced by G.
Protein change: p.His196Arg; replaces histidine 196 with arginine.
Molecular consequence: missense variant.
Genome position (GRCh38, 1-based): chr10:113,141,218, A>G. VCF-style: chr10-113141218-A-G. GRCh37 (hg19) VCF-style: chr10-114900977-A-G.
Other names: c.587A>G, p.His196Arg (NM_001146274.2, NM_001198531.2, NM_001363501.2); c.659A>G, p.His220Arg (NM_001146283.2); c.518A>G, p.His173Arg (NM_001146284.2, NM_001146285.2, NM_001146286.2 and 6 more transcripts); c.416A>G, p.His139Arg (NM_001198530.2); c.158A>G, p.His53Arg (NM_001349870.2); c.38A>G, p.His13Arg (NM_001349871.1); short protein forms H139R, H13R, H173R, H196R, H220R, H53R.
Identifiers: ClinVar variation 3361213 (VCV003361213.2).